The following is an entry in ClinVar:

NM_001330691.3(CEP78):c.1490T>C (p.Ile497Thr)

Gene: CEP78 (centrosomal protein 78; plus strand). Cytogenetic location: 9q21.2.
Variant type: single nucleotide variant.
Coding change: c.1490T>C on transcript NM_001330691.3 (MANE Select); coding-DNA position 1490, T replaced by C.
Protein change: p.Ile497Thr; replaces isoleucine 497 with threonine.
Molecular consequence: missense variant.
Genome position (GRCh38, 1-based): chr9:78,264,181, T>C. VCF-style: chr9-78264181-T-C. GRCh37 (hg19) VCF-style: chr9-80879097-T-C.
Other names: c.1493T>C, p.Ile498Thr (NM_001098802.3, NM_001349839.2, NM_001349840.2 and 1 more transcripts); c.1490T>C, p.Ile497Thr (NM_001330693.3, NM_001330694.2, NM_001349838.2); short protein forms I497T, I498T.
Identifiers: ClinVar variation 1366671 (VCV001366671.5), dbSNP rs767458739, ClinGen allele CA5095278.

ClinVar aggregate classification (germline): Uncertain significance (1 of 4 stars; one submission).

Allele frequency attached by ClinVar (database versions not stated): TOPMed below 0.00001; gnomAD exomes 0.00001 and 0.00002; ExAC 0.00006.
gnomAD v4.1: 9 of 1,498,312 alleles (0.0006%); highest among the groups gnomAD compares: Middle Eastern, 0.018%; no homozygotes.

Submission:

Labcorp Genetics (formerly Invitae), Labcorp
Classification: Uncertain significance. Last evaluated: 2022-03-10. Review status: criteria provided, single submitter. Criteria: Invitae Variant Classification Sherloc (09022015). Collection method: clinical testing. Allele origin: germline.
Comment: This sequence change replaces isoleucine, which is neutral and non-polar, with threonine, which is neutral and polar, at codon 498 of the CEP78 protein (p.Ile498Thr). This variant is present in population databases (rs767458739, gnomAD 0.01%). This variant has not been reported in the literature in individuals affected with CEP78-related conditions. Algorithms developed to predict the effect of missense changes on protein structure and function are either unavailable or do not agree on the potential impact of this missense change (SIFT: "Deleterious"; PolyPhen-2: "Possibly Damaging"; Align-GVGD: "Class C0"). In summary, the available evidence is currently insufficient to determine the role of this variant in disease. Therefore, it has been classified as a Variant of Uncertain Significance.